The following is an entry in ClinVar:

ClinVar aggregate classification (germline): Uncertain significance (1 of 4 stars; one submission).

gnomAD v4.1: 2 of 1,614,108 alleles (0.00012%); highest among the groups gnomAD compares: African/African-American, 0.0027%; no homozygotes.

Submission:

Labcorp Genetics (formerly Invitae), Labcorp
Classification: Uncertain significance. Last evaluated: 2022-05-18. Review status: criteria provided, single submitter. Criteria: Invitae Variant Classification Sherloc (09022015). Collection method: clinical testing. Allele origin: germline.
Comment: This sequence change replaces valine, which is neutral and non-polar, with isoleucine, which is neutral and non-polar, at codon 194 of the ESCO2 protein (p.Val194Ile). This variant is present in population databases (rs763544947, gnomAD no frequency). This variant has not been reported in the literature in individuals affected with ESCO2-related conditions. Algorithms developed to predict the effect of missense changes on protein structure and function (SIFT, PolyPhen-2, Align-GVGD) all suggest that this variant is likely to be tolerated. In summary, the available evidence is currently insufficient to determine the role of this variant in disease. Therefore, it has been classified as a Variant of Uncertain Significance.

NM_001017420.3(ESCO2):c.580G>A (p.Val194Ile)

Gene: ESCO2 (establishment of sister chromatid cohesion N-acetyltransferase 2; plus strand). Cytogenetic location: 8p21.1.
Variant type: single nucleotide variant.
Coding change: c.580G>A on transcript NM_001017420.3 (MANE Select); coding-DNA position 580, G replaced by A.
Protein change: p.Val194Ile; replaces valine 194 with isoleucine.
Molecular consequence: missense variant.
Genome position (GRCh38, 1-based): chr8:27,776,888, G>A. VCF-style: chr8-27776888-G-A. GRCh37 (hg19) VCF-style: chr8-27634405-G-A.
Other names: short protein forms V194I.
Identifiers: ClinVar variation 1981499 (VCV001981499.1), dbSNP rs763544947, ClinGen allele CA4692075.